The following is an entry in ClinVar:

NM_004855.5(PIGB):c.485T>C (p.Met162Thr)

Gene: PIGB (phosphatidylinositol glycan anchor biosynthesis class B; plus strand). Cytogenetic location: 15q21.3.
Variant type: single nucleotide variant.
Coding change: c.485T>C on transcript NM_004855.5 (MANE Select); coding-DNA position 485, T replaced by C.
Protein change: p.Met162Thr; replaces methionine 162 with threonine.
Molecular consequence: missense variant.
Genome position (GRCh38, 1-based): chr15:55,327,598, T>C. VCF-style: chr15-55327598-T-C. GRCh37 (hg19) VCF-style: chr15-55619796-T-C.
Other names: c.485T>C (NM_004855.4); short protein forms M162T.
Identifiers: ClinVar variation 1585299 (VCV001585299.11), dbSNP rs2290344, ClinGen allele CA7573852.

ClinVar aggregate classification (germline): Benign. Review status: criteria provided, multiple submitters, no conflicts (2 of 4 stars). 3 submissions from 3 submitters: Benign (2). 1 of the submissions does not count toward it. Last evaluated 2026-02-03.

Conditions:
PIGB-related disorder. Also called: PIGB-related condition.

Allele frequency attached by ClinVar (database versions not stated): gnomAD 0.11938 and 0.10822; ExAC 0.17255; 1000 Genomes Project 30x 0.22158; gnomAD exomes 0.12977 and 0.17616; 1000 Genomes Project 0.23003; ESP Exome Variant Server 0.08678; TOPMed 0.12414.

Submissions (3):

Labcorp Genetics (formerly Invitae), Labcorp
Classification: Benign. Last evaluated: 2026-02-03. Review status: criteria provided, single submitter. Criteria: Invitae Variant Classification Sherloc (09022015). Collection method: clinical testing. Allele origin: germline.

Breakthrough Genomics
Classification: Benign. Review status: criteria provided, single submitter. Criteria: ACMG Guidelines, 2015. Collection method: not provided. Allele origin: germline. Inheritance: Autosomal recessive inheritance. Affected: yes.

PreventionGenetics, part of Exact Sciences
Classification: Likely benign for PIGB-related condition. Last evaluated: 2021-09-13. Review status: no assertion criteria provided. Collection method: clinical testing. Allele origin: germline. Not counted in ClinVar's aggregate classification.
Comment: This variant is classified as likely benign based on ACMG/AMP sequence variant interpretation guidelines (Richards et al. 2015 PMID: 25741868, with internal and published modifications).